The following is an entry in ClinVar:

ClinVar aggregate classification (germline): Benign/Likely benign. Review status: criteria provided, multiple submitters, no conflicts (2 of 4 stars). 5 submissions from 5 submitters: Benign (4); Likely benign (1). Last evaluated 2026-02-03.

Conditions:
Charcot-Marie-Tooth disease. Also called: Charcot-Marie-Tooth Hereditary Neuropathy; Charcot-Marie-Tooth Neuropathy. Identifiers: Orphanet 166, MedGen C0007959, MONDO:0015626.
Charcot-Marie-Tooth disease type 2E (CMT2E). Also called: CHARCOT-MARIE-TOOTH NEUROPATHY, TYPE 2E; CHARCOT-MARIE-TOOTH DISEASE, AXONAL, TYPE 2E. Identifiers: Orphanet 99939, MedGen C1843225, MONDO:0011894, OMIM 607684.

Allele frequency attached by ClinVar (database versions not stated): gnomAD exomes 0.06578 and 0.07280; 1000 Genomes Project 0.06649; 1000 Genomes Project 30x 0.07074; ExAC 0.09455; gnomAD 0.08188 and 0.08329; ESP Exome Variant Server 0.08788; TOPMed 0.08852.
gnomAD v4.1: 118,386 of 1,599,144 alleles (7.4%); highest among the groups gnomAD compares: Middle Eastern, 14%; 5,019 homozygotes.

Submissions (5):

Labcorp Genetics (formerly Invitae), Labcorp
Classification: Benign for Charcot-Marie-Tooth disease type 2E. Last evaluated: 2026-02-03. Review status: criteria provided, single submitter. Criteria: Invitae Variant Classification Sherloc (09022015). Collection method: clinical testing. Allele origin: germline.

Eurofins Ntd Llc (ga)
Classification: Benign. Last evaluated: 2015-12-23. Review status: criteria provided, single submitter. Criteria: EGL Classification Definitions 2015. Collection method: clinical testing. Allele origin: germline. Observed: 11 variant alleles, 10 heterozygotes, 1 homozygote.

GeneDx
Classification: Benign. Last evaluated: 2014-03-06. Review status: criteria provided, single submitter. Criteria: GeneDx Variant Classification (06012015). Collection method: clinical testing. Allele origin: germline. Affected: yes.
Comment: This variant is considered likely benign or benign based on one or more of the following criteria: it is a conservative change, it occurs at a poorly conserved position in the protein, it is predicted to be benign by multiple in silico algorithms, and/or has population frequency not consistent with disease.

Breakthrough Genomics
Classification: Likely benign. Review status: criteria provided, single submitter. Criteria: ACMG Guidelines, 2015. Collection method: not provided. Allele origin: germline. Inheritance: Autosomal recessive inheritance. Affected: yes.

Molecular Genetics Laboratory, London Health Sciences Centre
Classification: Benign for Charcot-Marie-Tooth disease. Review status: criteria provided, single submitter. Criteria: ACMG Guidelines, 2015. Collection method: clinical testing. Allele origin: germline. Affected: yes.

NM_006158.5(NEFL):c.1170-13T>C

Genes: MIR6841 (microRNA 6841; minus strand), NEFL (neurofilament light chain; minus strand). Cytogenetic location: 8p21.2.
Variant type: single nucleotide variant.
Coding change: c.1170-13T>C on transcript NM_006158.5 (MANE Select); 13 bases into the intron before coding-DNA position 1170, T replaced by C.
Molecular consequence: intron variant. On other transcripts: non-coding transcript variant (1).
Genome position (GRCh38, 1-based): chr8:24,953,808, A>G on the plus strand (T>C on the coding strand, the complement: NEFL is on the minus strand). VCF-style: chr8-24953808-A-G. GRCh37 (hg19) VCF-style: chr8-24811322-A-G.
Identifiers: ClinVar variation 138510 (VCV000138510.18), dbSNP rs76347846, ClinGen allele CA292527.